The following is an entry in ClinVar:

ClinVar aggregate classification (germline): Uncertain significance. Review status: criteria provided, multiple submitters, no conflicts (2 of 4 stars). 2 submissions from 2 submitters: Uncertain significance (2). Last evaluated 2026-06-26.

gnomAD v4.1: 43 of 1,595,380 alleles (0.0027%); highest among the groups gnomAD compares: Non-Finnish European, 0.0034%; no homozygotes.

Submissions (2):

GeneDx
Classification: Uncertain significance. Last evaluated: 2026-06-26. Review status: criteria provided, single submitter. Criteria: GeneDx Variant Classification Process June 2021. Collection method: clinical testing. Allele origin: germline.
Comment: Not observed at significant frequency in large population cohorts (gnomAD); In silico analysis suggests that this missense variant does not alter protein structure/function; Has not been previously published as pathogenic or benign to our knowledge

Labcorp Genetics (formerly Invitae), Labcorp
Classification: Uncertain significance. Last evaluated: 2024-03-01. Review status: criteria provided, single submitter. Criteria: Invitae Variant Classification Sherloc (09022015). Collection method: clinical testing. Allele origin: germline.
Comment: This sequence change replaces methionine, which is neutral and non-polar, with isoleucine, which is neutral and non-polar, at codon 2469 of the MYO15A protein (p.Met2469Ile). This variant is present in population databases (rs753556196, gnomAD 0.005%). This variant has not been reported in the literature in individuals affected with MYO15A-related conditions. Advanced modeling of protein sequence and biophysical properties (such as structural, functional, and spatial information, amino acid conservation, physicochemical variation, residue mobility, and thermodynamic stability) performed at Invitae indicates that this missense variant is not expected to disrupt MYO15A protein function with a negative predictive value of 95%. In summary, the available evidence is currently insufficient to determine the role of this variant in disease. Therefore, it has been classified as a Variant of Uncertain Significance.

NM_016239.4(MYO15A):c.7407G>A (p.Met2469Ile)

Gene: MYO15A (myosin XVA; plus strand). Cytogenetic location: 17p11.2.
Variant type: single nucleotide variant.
Coding change: c.7407G>A on transcript NM_016239.4 (MANE Select); coding-DNA position 7407, G replaced by A.
Protein change: p.Met2469Ile; replaces methionine 2469 with isoleucine.
Molecular consequence: missense variant.
Genome position (GRCh38, 1-based): chr17:18,150,847, G>A. VCF-style: chr17-18150847-G-A. GRCh37 (hg19) VCF-style: chr17-18054161-G-A.
Other names: c.7407G>A (NM_016239.3); short protein forms M2469I.
Identifiers: ClinVar variation 3604167 (VCV003604167.4).
Genomic context (GRCh38, chr17:18,150,847, plus strand): 5'-GGGGGGTGGAGAATGGACCTGCCTGGTCACCACTGCCACCTCTCCCCAGGCCCGGGAGAT[G>A]ACCCTGCAGGCCACGGCACTCCAGCAGCAGCCCCTGAGTGCTGCCCTGAGATCCTTGCCC-3'
Protein context (NP_057323.3, residues 2459-2479): HKQAVLLARE[Met2469Ile]TLQATALQQQ